The following is an entry in ClinVar:

ClinVar aggregate classification (germline): Conflicting classifications of pathogenicity. Review status: criteria provided, conflicting classifications (1 of 4 stars). 5 submissions from 5 submitters: Uncertain significance (4); Likely benign (1). Last evaluated 2026-10-01.

Conditions:
Dyskeratosis congenita. Identifiers: Orphanet 1775, MedGen C0265965, MONDO:0015780.
Idiopathic Pulmonary Fibrosis. Also called: Idiopathic fibrosing alveolitis, chronic form; idiopathic fibrosing alveolitis. Identifiers: Orphanet 2032, MedGen C1800706, MeSH D054990, MONDO:0800504.
Dyskeratosis congenita, autosomal dominant 2. Identifiers: MedGen C3151443, MONDO:0013521, OMIM 613989.

Allele frequency attached by ClinVar (database versions not stated): gnomAD exomes 0.00002 and 0.00003; TOPMed 0.00002.
gnomAD v4.1: 9 of 1,541,996 alleles (0.00058%); highest among the groups gnomAD compares: Admixed American, 0.014%; no homozygotes.

Submissions (5):

St. Jude Molecular Pathology, St. Jude Children's Research Hospital
Classification: Uncertain significance for Dyskeratosis congenita, autosomal dominant 2. Last evaluated: 2026-10-01. Review status: criteria provided, single submitter. Criteria: St. Jude Assertion Criteria 2020. Collection method: clinical testing. Allele origin: germline.
Comment: The TERT c.976G>A p.(Ala326Thr) missense change has a maximum subpopulation frequency of 0.02% in gnomAD v2.1.1. The in silico tool REVEL predicts a benign effect on protein function, but to our knowledge this prediction has not been confirmed by functional studies. To our knowledge, this variant has not been reported in individuals with dyskeratosis congenita. In summary, the evidence currently available is insufficient to determine the clinical significance of this variant. It has therefore been classified as of uncertain significance (VUS-Low).

Mayo Clinic Laboratories, Mayo Clinic
Classification: Uncertain significance. Last evaluated: 2025-10-23. Review status: criteria provided, single submitter. Criteria: ACMG Guidelines, 2015. Collection method: clinical testing. Allele origin: germline. Observed: 1 variant allele.
Comment: BP4_moderate, PP2

Labcorp Genetics (formerly Invitae), Labcorp
Classification: Likely benign for Dyskeratosis congenita, autosomal dominant 2; Idiopathic Pulmonary Fibrosis. Last evaluated: 2025-10-17. Review status: criteria provided, single submitter. Criteria: Invitae Variant Classification Sherloc (09022015). Collection method: clinical testing. Allele origin: germline.

Ambry Genetics
Classification: Uncertain significance for Dyskeratosis congenita. Last evaluated: 2025-03-19. Review status: criteria provided, single submitter. Criteria: Ambry Variant Classification Scheme 2023. Collection method: clinical testing. Allele origin: germline.
Comment: The p.A326T variant (also known as c.976G>A), located in coding exon 2 of the TERT gene, results from a G to A substitution at nucleotide position 976. The alanine at codon 326 is replaced by threonine, an amino acid with similar properties. This amino acid position is not well conserved in available vertebrate species. In addition, this alteration is predicted to be tolerated by in silico analysis. Based on the available evidence, the clinical significance of this variant remains unclear.

GeneDx
Classification: Uncertain significance. Last evaluated: 2023-08-15. Review status: criteria provided, single submitter. Criteria: GeneDx Variant Classification Process June 2021. Collection method: clinical testing. Allele origin: germline.
Comment: In silico analysis supports that this missense variant does not alter protein structure/function; Has not been previously published as pathogenic or benign to our knowledge

NM_198253.3(TERT):c.976G>A (p.Ala326Thr)

Gene: TERT (telomerase reverse transcriptase; minus strand). Cytogenetic location: 5p15.33.
Variant type: single nucleotide variant.
Coding change: c.976G>A on transcript NM_198253.3 (MANE Select); coding-DNA position 976, G replaced by A.
Protein change: p.Ala326Thr; replaces alanine 326 with threonine.
Molecular consequence: missense variant. On other transcripts: non-coding transcript variant (2).
Genome position (GRCh38, 1-based): chr5:1,293,910, C>T on the plus strand (G>A on the coding strand, the complement: TERT is on the minus strand). VCF-style: chr5-1293910-C-T. GRCh37 (hg19) VCF-style: chr5-1294025-C-T.
Other names: p.Ala326Thr; c.976G>A, p.Ala326Thr (NM_001193376.3); short protein forms A326T.
Identifiers: ClinVar variation 863872 (VCV000863872.16), dbSNP rs1030156757, ClinGen allele CA112914808.